The following is an entry in ClinVar:

ClinVar aggregate classification (germline): Likely benign (1 of 4 stars; one submission).

Allele frequency attached by ClinVar (database versions not stated): 1000 Genomes Project 0.00160; 1000 Genomes Project 30x 0.00187; ESP Exome Variant Server 0.00199; gnomAD 0.00222; TOPMed 0.00244; ExAC 0.00250; gnomAD exomes 0.00322.
gnomAD v4.1: 4,908 of 1,577,644 alleles (0.31%); highest among the groups gnomAD compares: Non-Finnish European, 0.39%; 10 homozygotes.

Submission:

CeGaT Center for Human Genetics Tuebingen
Classification: Likely benign. Last evaluated: 2022-11-01. Review status: criteria provided, single submitter. Criteria: CeGaT Center For Human Genetics Tuebingen Variant Classification Criteria Version 2. Collection method: clinical testing. Allele origin: germline. Affected: yes. Observed: 1 variant allele.
Comment: PAXIP1: BP4, BP7

NM_007349.4(PAXIP1):c.681T>C (p.Ser227=)

Gene: PAXIP1 (PAX interacting protein 1; minus strand). Cytogenetic location: 7q36.2.
Variant type: single nucleotide variant.
Coding change: c.681T>C on transcript NM_007349.4 (MANE Select); coding-DNA position 681, T replaced by C.
Protein change: p.Ser227=; no amino-acid change (serine 227 retained).
Molecular consequence: synonymous variant.
Genome position (GRCh38, 1-based): chr7:154,976,089, A>G on the plus strand (T>C on the coding strand, the complement: PAXIP1 is on the minus strand). VCF-style: chr7-154976089-A-G. GRCh37 (hg19) VCF-style: chr7-154767799-A-G.
Identifiers: ClinVar variation 2658275 (VCV002658275.24), dbSNP rs61752016, ClinGen allele CA4584653.